The following is an entry in ClinVar:

NM_024503.5(HIVEP3):c.2775T>C (p.Ser925=)

Gene: HIVEP3 (HIVEP zinc finger 3; minus strand). Cytogenetic location: 1p34.2.
Variant type: single nucleotide variant.
Coding change: c.2775T>C on transcript NM_024503.5 (MANE Select); coding-DNA position 2775, T replaced by C.
Protein change: p.Ser925=; no amino-acid change (serine 925 retained).
Molecular consequence: synonymous variant.
Genome position (GRCh38, 1-based): chr1:41,582,023, A>G on the plus strand (T>C on the coding strand, the complement: HIVEP3 is on the minus strand). VCF-style: chr1-41582023-A-G. GRCh37 (hg19) VCF-style: chr1-42047694-A-G.
Other names: c.2775T>C, p.Ser925= (NM_001127714.3).
Identifiers: ClinVar variation 3035832 (VCV003035832.2), dbSNP rs775968630, ClinGen allele CA797978.

ClinVar aggregate classification (germline): Likely benign (0 of 4 stars; one submission).

Conditions:
HIVEP3-related disorder. Also called: HIVEP3-related condition.

Allele frequency attached by ClinVar (database versions not stated): ExAC 0.00002; gnomAD 0.00003; TOPMed 0.00003.
gnomAD v4.1: 164 of 1,614,058 alleles (0.01%); highest among the groups gnomAD compares: Non-Finnish European, 0.014%; no homozygotes.

Submission:

PreventionGenetics, part of Exact Sciences
Classification: Likely benign for HIVEP3-related condition. Last evaluated: 2019-03-12. Review status: no assertion criteria provided. Collection method: clinical testing. Allele origin: germline.
Comment: This variant is classified as likely benign based on ACMG/AMP sequence variant interpretation guidelines (Richards et al. 2015 PMID: 25741868, with internal and published modifications).